The following is an entry in ClinVar:

NM_001376.5(DYNC1H1):c.1705C>T (p.Arg569Trp)

Gene: DYNC1H1 (dynein cytoplasmic 1 heavy chain 1; plus strand). Cytogenetic location: 14q32.31.
Variant type: single nucleotide variant.
Coding change: c.1705C>T on transcript NM_001376.5 (MANE Select); coding-DNA position 1705, C replaced by T.
Protein change: p.Arg569Trp; replaces arginine 569 with tryptophan.
Molecular consequence: missense variant.
Genome position (GRCh38, 1-based): chr14:101,985,930, C>T. VCF-style: chr14-101985930-C-T. GRCh37 (hg19) VCF-style: chr14-102452267-C-T.
Other names: short protein forms R569W.
Identifiers: ClinVar variation 3018108 (VCV003018108.3), dbSNP rs1421708361, ClinGen allele CA391019062.

ClinVar aggregate classification (germline): Pathogenic (1 of 4 stars; one submission).

Conditions:
Charcot-Marie-Tooth disease axonal type 2O. Also called: CHARCOT-MARIE-TOOTH NEUROPATHY, AXONAL, TYPE 2O; CHARCOT-MARIE-TOOTH DISEASE, AXONAL, AUTOSOMAL DOMINANT, TYPE 2O; Charcot-Marie-Tooth Neuropathy Type 2O; Charcot-Marie-Tooth disease, axonal, type 20. Identifiers: Orphanet 284232, MedGen C3280220, MONDO:0013644, OMIM 614228.

Submission:

Labcorp Genetics (formerly Invitae), Labcorp
Classification: Pathogenic for Charcot-Marie-Tooth disease axonal type 2O. Last evaluated: 2025-12-15. Review status: criteria provided, single submitter. Criteria: Invitae Variant Classification Sherloc (09022015). Collection method: clinical testing. Allele origin: germline.
Comment: This sequence change replaces arginine, which is basic and polar, with tryptophan, which is neutral and slightly polar, at codon 569 of the DYNC1H1 protein (p.Arg569Trp). This variant is not present in population databases (gnomAD no frequency). This missense change has been observed in individual(s) with seizures and intellectual disability (PMID: 38953796). In at least one individual the variant was observed to be de novo. ClinVar contains an entry for this variant (Variation ID: 3018108). Invitae Evidence Modeling of protein sequence and biophysical properties (such as structural, functional, and spatial information, amino acid conservation, physicochemical variation, residue mobility, and thermodynamic stability) indicates that this missense variant is expected to disrupt DYNC1H1 protein function with a positive predictive value of 95%. For these reasons, this variant has been classified as Pathogenic.

Literature cited by the submitters: PubMed 38953796.